The following is an entry in ClinVar:

ClinVar aggregate classification (germline): Uncertain significance. Review status: criteria provided, multiple submitters, no conflicts (2 of 4 stars). 2 submissions from 2 submitters: Uncertain significance (2). Last evaluated 2026-03-30.

Conditions:
Hereditary cancer-predisposing syndrome. Also called: Hereditary neoplastic syndrome; Tumor predisposition; Hereditary Cancer Syndrome; Neoplastic Syndromes, Hereditary. Identifiers: Orphanet 140162, MedGen C0027672, MeSH D009386, MONDO:0015356.

Submissions (2):

Ambry Genetics
Classification: Uncertain significance for Hereditary cancer-predisposing syndrome. Last evaluated: 2026-03-30. Review status: criteria provided, single submitter. Criteria: Ambry Variant Classification Scheme 2023. Collection method: clinical testing. Allele origin: germline.
Comment: The p.P1692H variant (also known as c.5075C>A), located in coding exon 38 of the POLE gene, results from a C to A substitution at nucleotide position 5075. The proline at codon 1692 is replaced by histidine, an amino acid with similar properties. This amino acid position is conserved. In addition, this alteration is predicted to be deleterious by in silico analysis. Based on the available evidence, the clinical significance of this variant remains unclear.

Labcorp Genetics (formerly Invitae), Labcorp
Classification: Uncertain significance. Last evaluated: 2025-01-06. Review status: criteria provided, single submitter. Criteria: Invitae Variant Classification Sherloc (09022015). Collection method: clinical testing. Allele origin: germline.
Comment: This sequence change replaces proline, which is neutral and non-polar, with histidine, which is basic and polar, at codon 1692 of the POLE protein (p.Pro1692His). This variant is not present in population databases (gnomAD no frequency). This variant has not been reported in the literature in individuals affected with POLE-related conditions. Invitae Evidence Modeling of protein sequence and biophysical properties (such as structural, functional, and spatial information, amino acid conservation, physicochemical variation, residue mobility, and thermodynamic stability) indicates that this missense variant is expected to disrupt POLE protein function with a positive predictive value of 80%. In summary, the available evidence is currently insufficient to determine the role of this variant in disease. Therefore, it has been classified as a Variant of Uncertain Significance.

NM_006231.4(POLE):c.5075C>A (p.Pro1692His)

Gene: POLE (DNA polymerase epsilon, catalytic subunit; minus strand). Cytogenetic location: 12q24.33.
Variant type: single nucleotide variant.
Coding change: c.5075C>A on transcript NM_006231.4 (MANE Select); coding-DNA position 5075, C replaced by A.
Protein change: p.Pro1692His; replaces proline 1692 with histidine.
Molecular consequence: missense variant.
Genome position (GRCh38, 1-based): chr12:132,642,275, G>T on the plus strand (C>A on the coding strand, the complement: POLE is on the minus strand). VCF-style: chr12-132642275-G-T. GRCh37 (hg19) VCF-style: chr12-133218861-G-T.
Other names: c.5075C>A (NM_006231.2); short protein forms P1692H.
Identifiers: ClinVar variation 3667134 (VCV003667134.3).